The following is an entry in ClinVar:

NM_001375808.2(LPIN2):c.1786G>A (p.Gly596Ser)

Gene: LPIN2 (lipin 2; minus strand). Cytogenetic location: 18p11.31.
Variant type: single nucleotide variant.
Coding change: c.1786G>A on transcript NM_001375808.2 (MANE Select); coding-DNA position 1786, G replaced by A.
Protein change: p.Gly596Ser; replaces glycine 596 with serine.
Molecular consequence: missense variant.
Genome position (GRCh38, 1-based): chr18:2,926,730, C>T on the plus strand (G>A on the coding strand, the complement: LPIN2 is on the minus strand). VCF-style: chr18-2926730-C-T. GRCh37 (hg19) VCF-style: chr18-2926728-C-T.
Other names: c.1786G>A, p.Gly596Ser (NM_001375809.1, NM_014646.2); short protein forms G596S.
Identifiers: ClinVar variation 2921227 (VCV002921227.1), dbSNP rs769806854, ClinGen allele CA8872966.
Genomic context (GRCh38, chr18:2,926,730, plus strand): 5'-GCCCTGCTAGAGGGCCTGAGTGCTATGAGCCGGGCAGAGGACAGGGCACCCACCTGGCAC[C>T]GGCCGGCTCCTTGGAGCTGGATGGCAGGTCACTGGCTGGCGGTGCCTCAGATTTTCCCTC-3'
Protein context (NP_001362737.1, residues 586-606): DLPSSSKEPA[Gly596Ser]ARPAENDSSS

ClinVar aggregate classification (germline): Uncertain significance (1 of 4 stars; one submission).

Conditions:
Majeed syndrome (MJDS). Also called: CHRONIC RECURRENT MULTIFOCAL OSTEOMYELITIS 1, WITH CONGENITAL DYSERYTHROPOIETIC ANEMIA, WITH OR WITHOUT NEUTROPHILIC DERMATOSIS; LPIN2-Related Majeed Syndrome. Identifiers: Orphanet 77297, MedGen C1864997, MONDO:0012316, OMIM 609628.

Allele frequency attached by ClinVar (database versions not stated): gnomAD exomes 0.00002; TOPMed 0.00002; ExAC 0.00003.
gnomAD v4.1: 24 of 1,612,608 alleles (0.0015%); highest among the groups gnomAD compares: South Asian, 0.016%; no homozygotes.

Submission:

ARUP Laboratories, Molecular Genetics and Genomics, ARUP Laboratories
Classification: Uncertain significance for Majeed syndrome. Last evaluated: 2023-09-27. Review status: criteria provided, single submitter. Criteria: ARUP Molecular Germline Variant Investigation Process 2024. Collection method: clinical testing. Allele origin: germline.
Comment: The LPIN2 c.1786G>A; p.Gly596Ser variant (rs769806854) is reported in the literature in two individuals with suspected familial Mediterranean fever (Bozgeyik 2020). This variant is found in the general population with an overall allele frequency of 0.003% (8/249,268 alleles) in the Genome Aggregation Database. Computational analyses are uncertain whether this variant is neutral or deleterious (REVEL: 0.168). Due to limited information, the clinical significance of this variant is uncertain at this time. References: Bozgeyik E et al. Next-generation screening of a panel of genes associated with periodic fever syndromes in patients with Familial Mediterranean Fever and their clinical characteristics. Genomics. 2020 Jul;112(4):2755-2762. PMID: 32199921.